The following is an entry in ClinVar:

NM_001111.5(ADAR):c.3509C>T (p.Ser1170Phe)

Gene: ADAR (adenosine deaminase RNA specific; minus strand). Cytogenetic location: 1q21.3.
Variant type: single nucleotide variant.
Coding change: c.3509C>T on transcript NM_001111.5 (MANE Select); coding-DNA position 3509, C replaced by T.
Protein change: p.Ser1170Phe; replaces serine 1170 with phenylalanine.
Molecular consequence: missense variant.
Genome position (GRCh38, 1-based): chr1:154,584,978, G>A on the plus strand (C>T on the coding strand, the complement: ADAR is on the minus strand). VCF-style: chr1-154584978-G-A. GRCh37 (hg19) VCF-style: chr1-154557454-G-A.
Other names: p.Ser1170Phe; c.2624C>T, p.Ser875Phe (NM_001025107.3, NM_001193495.2, NM_001365046.1 and 2 more transcripts); c.3536C>T, p.Ser1179Phe (NM_001365045.1); c.2546C>T, p.Ser849Phe (NM_001365049.1); c.3431C>T, p.Ser1144Phe (NM_015840.4); c.3374C>T, p.Ser1125Phe (NM_015841.4); short protein forms S1179F, S849F, S1144F, S875F, S1125F, S1170F.
Identifiers: ClinVar variation 955661 (VCV000955661.9), dbSNP rs1696650377, ClinGen allele CA342634799.

ClinVar aggregate classification (germline): Uncertain significance. Review status: criteria provided, multiple submitters, no conflicts (2 of 4 stars). 2 submissions from 2 submitters: Uncertain significance (2). Last evaluated 2025-05-25.

Conditions:
Symmetrical dyschromatosis of extremities (DSH). Also called: RETICULATE ACROPIGMENTATION OF DOHI; SYMMETRIC DYSCHROMATOSIS OF THE EXTREMITIES; Dyschromatosis symmetrica hereditaria; DYSCHROMATOSIS SYMMETRICA HEREDITARIA 1. Identifiers: Orphanet 41, MedGen C0406775, MONDO:0007483, OMIM 127400.
Aicardi-Goutieres syndrome 6 (AGS6). Identifiers: Orphanet 51, MedGen C3539013, MONDO:0014007, OMIM 615010.

Allele frequency attached by ClinVar (database versions not stated): gnomAD exomes below 0.00001.
gnomAD v4.1: 3 of 1,614,162 alleles (0.00019%); highest among the groups gnomAD compares: Non-Finnish European, 0.00017%; no homozygotes.

Submissions (2):

Mayo Clinic Laboratories, Mayo Clinic
Classification: Uncertain significance. Last evaluated: 2025-05-25. Review status: criteria provided, single submitter. Criteria: ACMG Guidelines, 2015. Collection method: clinical testing. Allele origin: germline. Observed: 1 variant allele.
Comment: PM2_supporting

Labcorp Genetics (formerly Invitae), Labcorp
Classification: Uncertain significance for Aicardi-Goutieres syndrome 6; Symmetrical dyschromatosis of extremities. Last evaluated: 2025-02-26. Review status: criteria provided, single submitter. Criteria: Invitae Variant Classification Sherloc (09022015). Collection method: clinical testing. Allele origin: germline.
Comment: This sequence change replaces serine, which is neutral and polar, with phenylalanine, which is neutral and non-polar, at codon 1170 of the ADAR protein (p.Ser1170Phe). This variant is not present in population databases (gnomAD no frequency). This variant has not been reported in the literature in individuals affected with ADAR-related conditions. ClinVar contains an entry for this variant (Variation ID: 955661). Invitae Evidence Modeling of protein sequence and biophysical properties (such as structural, functional, and spatial information, amino acid conservation, physicochemical variation, residue mobility, and thermodynamic stability) indicates that this missense variant is not expected to disrupt ADAR protein function with a negative predictive value of 80%. In summary, the available evidence is currently insufficient to determine the role of this variant in disease. Therefore, it has been classified as a Variant of Uncertain Significance.